The following is an entry in ClinVar:

ClinVar aggregate classification (germline): Benign (3 of 4 stars; one submission).

Conditions:
Breast-ovarian cancer, familial, susceptibility to, 2 (BROVCA2). Also called: BRCA2 Hereditary Breast and Ovarian Cancer. Identifiers: Orphanet 145, MedGen C2675520, MONDO:0012933, OMIM 612555. Disease mechanism: loss of function.

Allele frequency attached by ClinVar (database versions not stated): gnomAD 0.04103 and 0.03703; TOPMed 0.04236; 1000 Genomes Project 0.07388; 1000 Genomes Project 30x 0.07402.
gnomAD v4.1: 6,252 of 152,316 alleles (4.1%); highest among the groups gnomAD compares: South Asian, 11%; 217 homozygotes.

Submission:

Evidence-based Network for the Interpretation of Germline Mutant Alleles (ENIGMA)
Classification: Benign for Breast-ovarian cancer, familial 2. Last evaluated: 2015-01-12. Review status: reviewed by expert panel. Criteria: ENIGMA BRCA1/2 Classification Criteria (2015). Collection method: curation. Allele origin: germline.
Comment: Class 1 not pathogenic based on frequency >1% in an outbred sampleset. Frequency 0.1049 (Asian), 0.01423 (African), 0.03694 (European), derived from 1000 genomes (2012-04-30).

NM_000059.4(BRCA2):c.6841+1456A>G

Gene: BRCA2 (BRCA2 DNA repair associated; plus strand). Cytogenetic location: 13q13.1.
Variant type: single nucleotide variant.
Coding change: c.6841+1456A>G on transcript NM_000059.4 (MANE Select); 1456 bases into the intron after coding-DNA position 6841, A replaced by G.
Molecular consequence: intron variant.
Genome position (GRCh38, 1-based): chr13:32,342,652, A>G. VCF-style: chr13-32342652-A-G. GRCh37 (hg19) VCF-style: chr13-32916789-A-G.
Other names: IVS 11+1456A>G.
Identifiers: ClinVar variation 209699 (VCV000209699.1), dbSNP rs11571665, ClinGen allele CA276667.
Genomic context (GRCh38, chr13:32,342,652, plus strand): 5'-TATAGCCTACTATATACCTAGGCTGTATGGTATAGCTTATTGCTCCTAGGCTGCAAACCT[A>G]TACAGCATGTTACTGTCCTGAATACTCTAGGCAGTTTTAACACAGTGGCAAGCATTTGTG-3'